The following is an entry in ClinVar:

ClinVar aggregate classification (germline): Benign/Likely benign. Review status: criteria provided, multiple submitters, no conflicts (2 of 4 stars). 8 submissions from 7 submitters: Benign (4); Likely benign (4). Last evaluated 2024-07-06.

Conditions:
Autosomal recessive limb-girdle muscular dystrophy type 2F (LGMDR6). Also called: Muscular dystrophy limb-girdle with delta-sarcoglyan deficiency; MUSCULAR DYSTROPHY, LIMB-GIRDLE, AUTOSOMAL RECESSIVE 6. Identifiers: Orphanet 219, MedGen C1832525, MONDO:0011028, OMIM 601287. Disease mechanism: Affects gamma-sarcoglycan and also disrupts the integrity of the entire sarcoglycan complex..
Dilated cardiomyopathy 1L (CMD1L). Identifiers: Orphanet 154, MedGen C1847667, MONDO:0011702, OMIM 606685.

Allele frequency attached by ClinVar (database versions not stated): gnomAD exomes 0.00021 and 0.00047; 1000 Genomes Project 30x 0.00281; ExAC 0.00122; gnomAD 0.00233 and 0.00245; TOPMed 0.00270; ESP Exome Variant Server 0.00273; 1000 Genomes Project 0.00280.
gnomAD v4.1: 655 of 1,547,220 alleles (0.042%); highest among the groups gnomAD compares: African/African-American, 0.83%; 3 homozygotes.

Submissions (8):

Blueprint Genetics
Classification: Likely benign. Last evaluated: 2024-07-06. Review status: criteria provided, single submitter. Criteria: ACMG Guidelines, 2015. Collection method: clinical testing. Allele origin: germline.

Genome-Nilou Lab
Classification: Likely benign for Autosomal recessive limb-girdle muscular dystrophy type 2F. Last evaluated: 2023-02-08. Review status: criteria provided, single submitter. Criteria: ACMG Guidelines, 2015. Collection method: clinical testing. Allele origin: germline.

Genome-Nilou Lab
Classification: Likely benign for Dilated cardiomyopathy 1L. Last evaluated: 2023-02-08. Review status: criteria provided, single submitter. Criteria: ACMG Guidelines, 2015. Collection method: clinical testing. Allele origin: germline.

Fulgent Genetics
Classification: Likely benign for Autosomal recessive limb-girdle muscular dystrophy type 2F; Dilated cardiomyopathy 1L. Last evaluated: 2021-08-10. Review status: criteria provided, single submitter. Criteria: ACMG Guidelines, 2015. Collection method: clinical testing. Allele origin: unknown.

Athena Diagnostics
Classification: Benign. Last evaluated: 2018-09-26. Review status: criteria provided, single submitter. Criteria: Athena Diagnostics Criteria. Collection method: clinical testing. Allele origin: germline.

Eurofins Ntd Llc (ga)
Classification: Benign. Last evaluated: 2015-11-13. Review status: criteria provided, single submitter. Criteria: EGL Classification Definitions 2015. Collection method: clinical testing. Allele origin: germline. Observed: 2 variant alleles, 2 heterozygotes.

GeneDx
Classification: Benign. Last evaluated: 2014-01-24. Review status: criteria provided, single submitter. Criteria: GeneDx Variant Classification (06012015). Collection method: clinical testing. Allele origin: germline. Affected: yes.
Comment: This variant is considered likely benign or benign based on one or more of the following criteria: it is a conservative change, it occurs at a poorly conserved position in the protein, it is predicted to be benign by multiple in silico algorithms, and/or has population frequency not consistent with disease.

Laboratory for Molecular Medicine, Mass General Brigham Personalized Medicine
Classification: Benign. Last evaluated: 2012-11-15. Review status: criteria provided, single submitter. Criteria: LMM Criteria. Collection method: clinical testing. Allele origin: germline. Observed: 2 variant alleles.
Comment: X257X in exon 8 of SGCD: This variant is not expected to have clinical significa nce because it does not alter the stop codon and is not located near a splice ju nction. This variant was present in 3.0% (10/334) of African American control ch romosomes (LMM unpublished data) and in 0.9% (33/3832) of African American chrom osomes from a broad population by the NHLBI Exome Sequencing Project (.; dbSNP rs187204080).

NM_000337.6(SGCD):c.699+71G>A

Gene: SGCD (sarcoglycan delta; plus strand). Cytogenetic location: 5q33.3.
Variant type: single nucleotide variant.
Coding change: c.699+71G>A on transcript NM_000337.6 (MANE Select); 71 bases into the intron after coding-DNA position 699, G replaced by A.
Molecular consequence: intron variant. On other transcripts: synonymous variant (1).
Genome position (GRCh38, 1-based): chr5:156,757,775, G>A. VCF-style: chr5-156757775-G-A. GRCh37 (hg19) VCF-style: chr5-156184786-G-A.
Other names: p.*257*:TGA>TAA; c.770G>A, p.Ter257= (NM_172244.3); c.696+71G>A (NM_001128209.2).
Identifiers: ClinVar variation 48124 (VCV000048124.13), dbSNP rs187204080, ClinGen allele CA284621.